The following is an entry in ClinVar:

NM_020247.5(COQ8A):c.1247G>A (p.Arg416His)

Gene: COQ8A (coenzyme Q8A; plus strand). Cytogenetic location: 1q42.13.
Variant type: single nucleotide variant.
Coding change: c.1247G>A on transcript NM_020247.5 (MANE Select); coding-DNA position 1247, G replaced by A.
Protein change: p.Arg416His; replaces arginine 416 with histidine.
Molecular consequence: missense variant.
Genome position (GRCh38, 1-based): chr1:226,983,845, G>A. VCF-style: chr1-226983845-G-A. GRCh37 (hg19) VCF-style: chr1-227171546-G-A.
Other names: short protein forms R416H.
Identifiers: ClinVar variation 804506 (VCV000804506.4), dbSNP rs767899984, ClinGen allele CA1425376.

ClinVar aggregate classification (germline): Uncertain significance. Review status: criteria provided, multiple submitters, no conflicts (2 of 4 stars). 3 submissions from 3 submitters: Uncertain significance (3). Last evaluated 2022-04-18.

Conditions:
Autosomal recessive ataxia due to ubiquinone deficiency. Also called: Coenzyme Q10 deficiency, primary, 4; SPINOCEREBELLAR ATAXIA, AUTOSOMAL RECESSIVE 9. Identifiers: Orphanet 139485, MedGen C2677589, MONDO:0012784, OMIM 612016.

Allele frequency attached by ClinVar (database versions not stated): TOPMed 0.00002; gnomAD 0.00003.
gnomAD v4.1: 23 of 1,609,802 alleles (0.0014%); highest among the groups gnomAD compares: Admixed American, 0.0083%; no homozygotes.

Submissions (3):

Labcorp Genetics (formerly Invitae), Labcorp
Classification: Uncertain significance. Last evaluated: 2022-04-18. Review status: criteria provided, single submitter. Criteria: Invitae Variant Classification Sherloc (09022015). Collection method: clinical testing. Allele origin: germline.
Comment: This sequence change replaces arginine, which is basic and polar, with histidine, which is basic and polar, at codon 416 of the COQ8A protein (p.Arg416His). The frequency data for this variant in the population databases is considered unreliable, as metrics indicate poor data quality at this position in the gnomAD database. This variant has not been reported in the literature in individuals affected with COQ8A-related conditions. ClinVar contains an entry for this variant (Variation ID: 804506). Advanced modeling of protein sequence and biophysical properties (such as structural, functional, and spatial information, amino acid conservation, physicochemical variation, residue mobility, and thermodynamic stability) performed at Invitae indicates that this missense variant is not expected to disrupt COQ8A protein function. In summary, the available evidence is currently insufficient to determine the role of this variant in disease. Therefore, it has been classified as a Variant of Uncertain Significance.

Athena Diagnostics
Classification: Uncertain significance. Last evaluated: 2018-11-01. Review status: criteria provided, single submitter. Criteria: Athena Diagnostics Criteria. Collection method: clinical testing. Allele origin: germline.

Baylor Genetics
Classification: Uncertain significance for Autosomal recessive ataxia due to ubiquinone deficiency. Last evaluated: 2018-07-30. Review status: criteria provided, single submitter. Criteria: ACMG Guidelines, 2015. Collection method: clinical testing. Allele origin: unknown. Affected: yes.
Comment: This variant was determined to be of uncertain significance according to ACMG Guidelines, 2015 [PMID:25741868].